The following is an entry in ClinVar:

NM_003630.3(PEX3):c.794A>G (p.Asn265Ser)

Gene: PEX3 (peroxisomal biogenesis factor 3; plus strand). Cytogenetic location: 6q24.2.
Variant type: single nucleotide variant.
Coding change: c.794A>G on transcript NM_003630.3 (MANE Select); coding-DNA position 794, A replaced by G.
Protein change: p.Asn265Ser; replaces asparagine 265 with serine.
Molecular consequence: missense variant.
Genome position (GRCh38, 1-based): chr6:143,474,832, A>G. VCF-style: chr6-143474832-A-G. GRCh37 (hg19) VCF-style: chr6-143795969-A-G.
Other names: c.794A>G (NM_003630.2); short protein forms N265S.
Identifiers: ClinVar variation 1133742 (VCV001133742.13), dbSNP rs201793456, ClinGen allele CA4029674.

ClinVar aggregate classification (germline): Conflicting classifications of pathogenicity. Review status: criteria provided, conflicting classifications (1 of 4 stars). 4 submissions from 4 submitters: Uncertain significance (2); Likely benign (2). Last evaluated 2026-04-20.

Conditions:
Inborn genetic diseases. Identifiers: MedGen C0950123, MeSH D030342.
PEX3-related disorder. Also called: PEX3-related condition.

Allele frequency attached by ClinVar (database versions not stated): gnomAD 0.00005 and 0.00006; TOPMed 0.00007; ESP Exome Variant Server 0.00008; gnomAD exomes 0.00008 and 0.00011; ExAC 0.00016.
gnomAD v4.1: 118 of 1,585,640 alleles (0.0074%); highest among the groups gnomAD compares: South Asian, 0.087%; 1 homozygote.

Submissions (4):

PreventionGenetics, part of Exact Sciences
Classification: Uncertain significance for PEX3-related condition. Last evaluated: 2026-04-20. Review status: criteria provided, single submitter. Criteria: ACMG Guidelines, 2015. Collection method: clinical testing. Allele origin: germline.
Comment: The PEX3 c.794A>G variant is predicted to result in the amino acid substitution p.Asn265Ser. To our knowledge, this variant has not been reported in the literature. This variant is reported in 0.082% of alleles in individuals of South Asian descent in gnomAD. Although we suspect that this variant may be benign, at this time, the clinical significance of this variant is uncertain due to the absence of conclusive functional and genetic evidence.

Labcorp Genetics (formerly Invitae), Labcorp
Classification: Likely benign. Last evaluated: 2026-01-28. Review status: criteria provided, single submitter. Criteria: Invitae Variant Classification Sherloc (09022015). Collection method: clinical testing. Allele origin: germline.

Ambry Genetics
Classification: Uncertain significance for Inborn genetic diseases. Last evaluated: 2025-08-26. Review status: criteria provided, single submitter. Criteria: Ambry Variant Classification Scheme 2023. Collection method: clinical testing. Allele origin: germline.

Blueprint Genetics
Classification: Likely benign. Last evaluated: 2024-08-12. Review status: criteria provided, single submitter. Criteria: ACMG Guidelines, 2015. Collection method: clinical testing. Allele origin: germline.